The following is an entry in ClinVar:

ClinVar aggregate classification (germline): Likely benign. Review status: criteria provided, multiple submitters, no conflicts (2 of 4 stars). 3 submissions from 3 submitters: Likely benign (2). 1 of the submissions does not count toward it. Last evaluated 2025-03-04.

Conditions:
TUB-related disorder. Also called: TUB-related condition.

Allele frequency attached by ClinVar (database versions not stated): gnomAD 0.00003 and 0.00005; gnomAD exomes 0.00004; TOPMed 0.00006; ExAC 0.00007.
gnomAD v4.1: 33 of 1,613,974 alleles (0.002%); highest among the groups gnomAD compares: Middle Eastern, 0.016%; no homozygotes.

Submissions (3):

Labcorp Genetics (formerly Invitae), Labcorp
Classification: Likely benign. Last evaluated: 2025-03-04. Review status: criteria provided, single submitter. Criteria: Invitae Variant Classification Sherloc (09022015). Collection method: clinical testing. Allele origin: germline.

Blueprint Genetics
Classification: Likely benign. Last evaluated: 2022-11-14. Review status: criteria provided, single submitter. Criteria: ACMG Guidelines, 2015. Collection method: clinical testing. Allele origin: germline.

PreventionGenetics, part of Exact Sciences
Classification: Likely benign for TUB-related condition. Last evaluated: 2021-05-19. Review status: no assertion criteria provided. Collection method: clinical testing. Allele origin: germline. Not counted in ClinVar's aggregate classification.
Comment: This variant is classified as likely benign based on ACMG/AMP sequence variant interpretation guidelines (Richards et al. 2015 PMID: 25741868, with internal and published modifications).

NM_177972.3(TUB):c.1387+7G>A

Genes: RIC3 (RIC3 acetylcholine receptor chaperone; minus strand), TUB (TUB bipartite transcription factor; plus strand). Cytogenetic location: 11p15.4.
Variant type: single nucleotide variant.
Coding change: c.1387+7G>A on transcript NM_177972.3 (MANE Select); 7 bases into the intron after coding-DNA position 1387, G replaced by A.
Molecular consequence: intron variant.
Genome position (GRCh38, 1-based): chr11:8,101,004, G>A. VCF-style: chr11-8101004-G-A. GRCh37 (hg19) VCF-style: chr11-8122551-G-A.
Other names: c.1552+7G>A (NM_003320.5, NM_003320.4).
Identifiers: ClinVar variation 1114243 (VCV001114243.12), dbSNP rs201613408, ClinGen allele CA5871478.